The following is an entry in ClinVar:

ClinVar aggregate classification (germline): Pathogenic (0 of 4 stars; one submission).

Conditions:
Autosomal recessive nonsyndromic hearing loss 9. Also called: NEUROSENSORY NONSYNDROMIC RECESSIVE DEAFNESS 9; OTOF-Related Hearing Loss; Deafness, autosomal recessive 9; AUDITORY NEUROPATHY, AUTOSOMAL RECESSIVE, 1, TEMPERATURE-SENSITIVE. Identifiers: Orphanet 90636, MedGen C1832828, MONDO:0010986, OMIM 601071.

Submission:

Diagnosis and Treatment Center of Genetic Hearing Loss, Eye & ENT Hospital of Fudan University
Classification: Pathogenic for Autosomal recessive nonsyndromic hearing loss 9. Last evaluated: 2026-02-04. Review status: no assertion criteria provided. Collection method: clinical testing. Allele origin: germline. Inheritance: Autosomal recessive inheritance. Affected: yes.
Comment: The c.2478_2487del frameshift variant in OTOF leads to a premature stop codon and predicted NMD (PVS1). It is absent from population databases (PM2_Supporting). It was found in trans with pathogenic c.4747C>T (PM3).

NM_194248.3(OTOF):c.2478_2487del (p.Leu827fs)

Gene: OTOF (otoferlin; minus strand). Cytogenetic location: 2p23.3.
Variant type: Deletion.
Coding change: c.2478_2487del on transcript NM_194248.3 (MANE Select); coding-DNA positions 2478 to 2487, 10 bases deleted (GCTGTGCCAG; older notation c.2478_2487delGCTGTGCCAG).
Protein change: p.Leu827fs; shifts the reading frame from leucine 827.
Molecular consequence: frameshift variant.
Genome position (GRCh38, 1-based): chr2:26,477,208-26,477,217, CTGGCACAGC deleted on the plus strand (GCTGTGCCAG on the coding strand, the reverse complement: OTOF is on the minus strand); deleting any 10 consecutive bases within chr2:26,477,208-26,477,219 gives the same sequence; the c. name uses the placement nearest the transcript's 3' end. VCF-style (leftmost placement, unchanged base first): chr2-26477207-TCTGGCACAGC-T. GRCh37 (hg19) VCF-style: chr2-26700075-TCTGGCACAGC-T.
Other names: c.2478_2487del, p.Leu827fs (NM_001287489.2); c.237_246del, p.Leu80fs (NM_004802.4, NM_194323.3); c.408_417del, p.Leu137fs (NM_194322.3); short protein forms L137fs, L80fs, L827fs.
Identifiers: ClinVar variation 4879954 (VCV004879954.1).